The following is an entry in ClinVar:

NM_001130987.2(DYSF):c.6116G>A (p.Arg2039Gln)

Gene: DYSF (dysferlin; plus strand). Cytogenetic location: 2p13.2.
Variant type: single nucleotide variant.
Coding change: c.6116G>A on transcript NM_001130987.2 (MANE Select); coding-DNA position 6116, G replaced by A.
Protein change: p.Arg2039Gln; replaces arginine 2039 with glutamine.
Molecular consequence: missense variant.
Genome position (GRCh38, 1-based): chr2:71,681,053, G>A. VCF-style: chr2-71681053-G-A. GRCh37 (hg19) VCF-style: chr2-71908183-G-A.
Other names: p.Arg2000Gln; c.6002G>A, p.Arg2001Gln (NM_001130455.2); c.5957G>A, p.Arg1986Gln (NM_001130976.2); c.6020G>A, p.Arg2007Gln (NM_001130977.2); c.6062G>A, p.Arg2021Gln (NM_001130978.2); c.6092G>A, p.Arg2031Gln (NM_001130979.2); c.6050G>A, p.Arg2017Gln (NM_001130980.2); c.6113G>A, p.Arg2038Gln (NM_001130981.2); and 6 more; short protein forms R2039Q, R2000Q, R1986Q, R2001Q, R2032Q, R2018Q, R2022Q, R2038Q.
Identifiers: ClinVar variation 287816 (VCV000287816.78), dbSNP rs115407852, ClinGen allele CA1707599.

ClinVar aggregate classification (germline): Conflicting classifications of pathogenicity. Review status: criteria provided, conflicting classifications (1 of 4 stars). 15 submissions from 15 submitters: Uncertain significance (9); Likely benign (4). 2 of the submissions do not count toward it. Last evaluated 2026-10-13.

Conditions:
DYSF-related disorder. Also called: DYSF-related condition; DYSF-related disorders.
Neuromuscular disease caused by qualitative or quantitative defects of dysferlin. Also called: Dysferlinopathy; Qualitative or quantitative defects of dysferlin. Identifiers: Orphanet 207073, MedGen C2931687, MONDO:0016145.
Autosomal recessive limb-girdle muscular dystrophy type 2B (LGMDR2). Also called: MUSCULAR DYSTROPHY, LIMB-GIRDLE, AUTOSOMAL RECESSIVE 2; Limb-girdle muscular dystrophy, type 2B; Limb-Girdle Muscular Dystrophy Type 2B (LGMD2B); MUSCULAR DYSTROPHY, LIMB-GIRDLE, TYPE 3. Identifiers: Orphanet 268, MedGen C1850889, MONDO:0009676, OMIM 253601.
Primary dilated cardiomyopathy (DCM). Also called: Dilated Cardiomyopathy. Identifiers: Orphanet 217604, MedGen C0007193, MeSH D002311, MONDO:0005021, HP:0001644. Inheritance: Various modes of inheritance.
Miyoshi muscular dystrophy 1 (MMD1). Identifiers: Orphanet 45448, MedGen C4551973, MONDO:0024545, OMIM 254130.

Allele frequency attached by ClinVar (database versions not stated): ESP Exome Variant Server 0.00008; gnomAD 0.00019 and 0.00021; TOPMed 0.00028; gnomAD exomes 0.00029; ExAC 0.00032; 1000 Genomes Project 30x 0.00078; 1000 Genomes Project 0.00080.
gnomAD v4.1: 332 of 1,614,206 alleles (0.021%); highest among the groups gnomAD compares: Middle Eastern, 0.53%; 1 homozygote.

Submissions (15):

GeneDx
Classification: Uncertain significance. Last evaluated: 2026-10-13. Review status: criteria provided, single submitter. Criteria: GeneDx Variant Classification Process June 2021. Collection method: clinical testing. Allele origin: germline.
Comment: Reported as heterozygous in patients with DYSF-related dysferlinopathy who were also heterozygous for a nonsense variant in the DYSF gene; although segregation studies were not completed, immunohistochemisty and Western blot analysis showed absent dysferlin (PMID: 11468312, 34559919); Reported as heterozygous in a patient with features of limb-girdle muscular dystrophy who was also heterozygous for another DYSF variant; however, segregation studies were not completed (PMID: 39678382); In silico analysis supports that this missense variant has a deleterious effect on protein structure/function; This variant is associated with the following publications: (PMID: 20981092, 27884173, 17070050, 34426522, Schiava2022[casereport], 20623375, 11468312, 41009941, 34559919, 39678382, 33927379)

Labcorp Genetics (formerly Invitae), Labcorp
Classification: Likely benign for Neuromuscular disease caused by qualitative or quantitative defects of dysferlin. Last evaluated: 2026-01-31. Review status: criteria provided, single submitter. Criteria: Invitae Variant Classification Sherloc (09022015). Collection method: clinical testing. Allele origin: germline.

Mayo Clinic Laboratories, Mayo Clinic
Classification: Uncertain significance. Last evaluated: 2025-05-01. Review status: criteria provided, single submitter. Criteria: ACMG Guidelines, 2015. Collection method: clinical testing. Allele origin: germline. Observed: 2 variant alleles.
Comment: PP4

Blueprint Genetics
Classification: Likely benign. Last evaluated: 2024-11-06. Review status: criteria provided, single submitter. Criteria: ACMG Guidelines, 2015. Collection method: clinical testing. Allele origin: germline.

Revvity Omics, Revvity
Classification: Likely benign. Last evaluated: 2024-06-28. Review status: criteria provided, single submitter. Criteria: ACMG Guidelines, 2015. Collection method: clinical testing. Allele origin: germline.

Petrovsky National Research Centre of Surgery, The Federal Agency for Scientific Organizations
Classification: Uncertain significance for Primary dilated cardiomyopathy. Last evaluated: 2023-04-21. Review status: criteria provided, single submitter. Criteria: ACMG Guidelines, 2015. Collection method: clinical testing. Allele origin: germline. Affected: yes.
Comment: The NM_003494:c.5999G>A variant is in The Genome Aggregation Database (gnomAD) v2.1.1 with total MAF 0.0002618 (Date of access 21-04-2023). This variant has been reported in 10 articles in patients with variable phenotypes (PMID: 35047756, 34559919, 33927379, 32906206, 27884173, 22910291, 22194990, 20623375, 17070050, 11468312). Most in silico predictors show benign result of the protein change. In accordance with ACMG(2015) criteria this variant is classified as Variant of Uncertain Significance (VUS) with following criteria selected: PM2, PP3

Women's Health and Genetics/Laboratory Corporation of America, LabCorp
Classification: Uncertain significance. Last evaluated: 2022-02-23. Review status: criteria provided, single submitter. Criteria: LabCorp Variant Classification Summary - May 2015. Collection method: clinical testing. Allele origin: germline.
Comment: Variant summary: DYSF c.5999G>A (p.Arg2000Gln) results in a conservative amino acid change located in the Ferlin, C-terminal domain (IPR032362) of the encoded protein sequence. Four of five in-silico tools predict a damaging effect of the variant on protein function. The variant allele was found at a frequency of 0.00029 in 251298 control chromosomes in the gnomAD database, including 1 homozygote. This frequency is not higher than expected for a pathogenic variant in DYSF causing Limb-Girdle Muscular Dystrophy, Autosomal Recessive (0.00029 vs 0.0031), allowing no conclusion about variant significance. c.5999G>A has been reported in the literature in individuals affected with dysferlinopathy, including Limb-Girdle Muscular Dystrophy and Miyoshi myopathy (Aoki_2001, De Luna_2007, Bardakov_2021, Zhong_2021). Expression of the protein was determined to be absent or reduced in compound heterozygous and carrier individuals (De Luna_2007, De Luna_2012, Bardakov_2021). However, the variant has also been reported in the literature in multiple homozygous unaffected individuals (Boyden_2010, Abouelhoda_2016), while it was found to co-occur in cis with a pathogenic variant (DYSF c.5860G>T, p.Glu1954X) in a compound heterozygous patient. These reports do not provide unequivocal conclusions about association of the variant with disease. Three ClinVar submitters (evaluation after 2014) cite the variant as likely benign and seven ClinVar submitters (evaluation after 2014) cite it as uncertain significance. Based on the evidence outlined above, the variant was classified as uncertain significance.

Genome-Nilou Lab
Classification: Uncertain significance for Miyoshi muscular dystrophy 1. Last evaluated: 2021-05-18. Review status: criteria provided, single submitter. Criteria: ACMG Guidelines, 2015. Collection method: clinical testing. Allele origin: germline. Affected: no.

Pars Genome Lab
Classification: Uncertain significance for Miyoshi muscular dystrophy 1. Last evaluated: 2021-05-18. Review status: criteria provided, single submitter. Criteria: ACMG Guidelines, 2015. Collection method: clinical testing. Allele origin: germline. Affected: no.

CeGaT Center for Human Genetics Tuebingen
Classification: Uncertain significance. Last evaluated: 2019-12-01. Review status: criteria provided, single submitter. Criteria: CeGaT Center For Human Genetics Tuebingen Variant Classification Criteria Version 2. Collection method: clinical testing. Allele origin: germline. Affected: yes. Observed: 2 variant alleles.

Mendelics
Classification: Uncertain significance for Autosomal recessive limb-girdle muscular dystrophy type 2B. Last evaluated: 2019-05-28. Review status: criteria provided, single submitter. Criteria: Mendelics Assertion Criteria 2017. Collection method: clinical testing. Allele origin: unknown.

Illumina Laboratory Services, Illumina
Classification: Uncertain significance for DYSF-Related Disorders. Last evaluated: 2017-04-27. Review status: criteria provided, single submitter. Criteria: ICSL Variant Classification Criteria 13 December 2019. Collection method: clinical testing. Allele origin: germline.
Comment: This variant was observed as part of a predisposition screen in an ostensibly healthy population. A literature search was performed for the gene, cDNA change, and amino acid change (where applicable). Publications were found based on this search. However, the evidence from the literature, in combination with allele frequency data from public databases where available, was not sufficient to rule this variant in or out of causing disease. Therefore, this variant is classified as a variant of unknown significance.

Eurofins Ntd Llc (ga)
Classification: Likely benign. Last evaluated: 2017-04-18. Review status: criteria provided, single submitter. Criteria: EGL Classification Definitions 2015. Collection method: clinical testing. Allele origin: germline. Observed: 4 variant alleles, 3 heterozygotes, 1 homozygote.

Natera, Inc.
Classification: Likely benign for Limb-girdle muscular dystrophy type 2B. Last evaluated: 2020-09-16. Review status: no assertion criteria provided. Collection method: clinical testing. Allele origin: germline. Not counted in ClinVar's aggregate classification.

Counsyl
Classification: Uncertain significance for Autosomal recessive limb-girdle muscular dystrophy type 2B. Last evaluated: 2017-07-27. Review status: no assertion criteria provided. Collection method: clinical testing. Allele origin: unknown. Not counted in ClinVar's aggregate classification.

Literature cited by the submitters: PubMed 11468312 (cited by 4 submitters); PubMed 17070050 (cited by 5 submitters); PubMed 20623375 (cited by 5 submitters); PubMed 22194990 (cited by 3 submitters); PubMed 22910291 (cited by 3 submitters); PubMed 27884173 (cited by 3 submitters); PubMed 33927379 (cited by 3 submitters); PubMed 34559919 (cited by 3 submitters); PubMed 35047756 (cited by 3 submitters); PubMed 32906206 (cited by Petrovsky National Research Centre of Surgery, The Federal Agency for Scientific Organizations).